The following is an entry in ClinVar:

NM_000550.3(TYRP1):c.385+1G>C

Gene: TYRP1 (tyrosinase related protein 1; plus strand). Cytogenetic location: 9p23.
Variant type: single nucleotide variant.
Coding change: c.385+1G>C on transcript NM_000550.3 (MANE Select); the canonical splice donor site of the intron after coding-DNA position 385, G replaced by C.
Molecular consequence: splice donor variant.
Genome position (GRCh38, 1-based): chr9:12,694,382, G>C. VCF-style: chr9-12694382-G-C. GRCh37 (hg19) VCF-style: chr9-12694382-G-C.
Identifiers: ClinVar variation 2760960 (VCV002760960.25), dbSNP rs751763527, ClinGen allele CA372936948.

ClinVar aggregate classification (germline): Pathogenic/Likely pathogenic. Review status: criteria provided, multiple submitters, no conflicts (2 of 4 stars). 2 submissions from 2 submitters: Pathogenic (1); Likely pathogenic (1). Last evaluated 2024-01-01.

Submissions (2):

CeGaT Center for Human Genetics Tuebingen
Classification: Pathogenic. Last evaluated: 2024-01-01. Review status: criteria provided, single submitter. Criteria: CeGaT Center For Human Genetics Tuebingen Variant Classification Criteria Version 2. Collection method: clinical testing. Allele origin: germline. Affected: yes. Observed: 1 variant allele.
Comment: TYRP1: PVS1, PM2, PM3:Supporting

Labcorp Genetics (formerly Invitae), Labcorp
Classification: Likely pathogenic. Last evaluated: 2023-09-15. Review status: criteria provided, single submitter. Criteria: Invitae Variant Classification Sherloc (09022015). Collection method: clinical testing. Allele origin: germline.
Comment: In summary, the currently available evidence indicates that the variant is pathogenic, but additional data are needed to prove that conclusively. Therefore, this variant has been classified as Likely Pathogenic. Algorithms developed to predict the effect of sequence changes on RNA splicing suggest that this variant may disrupt the consensus splice site. This variant has not been reported in the literature in individuals affected with TYRP1-related conditions. This variant is not present in population databases (gnomAD no frequency). This sequence change affects a donor splice site in intron 2 of the TYRP1 gene. It is expected to disrupt RNA splicing. Variants that disrupt the donor or acceptor splice site typically lead to a loss of protein function (PMID: 16199547), and loss-of-function variants in TYRP1 are known to be pathogenic (PMID: 8651291, 9345097).

Literature cited by the submitters: PubMed 16199547 (cited by Labcorp Genetics (formerly Invitae), Labcorp); PubMed 8651291 (cited by Labcorp Genetics (formerly Invitae), Labcorp); PubMed 9345097 (cited by Labcorp Genetics (formerly Invitae), Labcorp).